The following is an entry in ClinVar:

ClinVar aggregate classification (germline): Uncertain significance (1 of 4 stars; one submission).

Conditions:
Short-rib thoracic dysplasia 8 with or without polydactyly (SRTD8). Also called: SHORT-RIB THORACIC DYSPLASIA 8 WITH POLYDACTYLY. Identifiers: Orphanet 93271, MedGen C3809691, MONDO:0014214, OMIM 615503.

Allele frequency attached by ClinVar (database versions not stated): ExAC 0.00001; TOPMed 0.00001.
gnomAD v4.1: 6 of 1,613,512 alleles (0.00037%); highest among the groups gnomAD compares: Middle Eastern, 0.017%; no homozygotes.

Submission:

Labcorp Genetics (formerly Invitae), Labcorp
Classification: Uncertain significance for Short-rib thoracic dysplasia 8 with or without polydactyly. Last evaluated: 2020-01-13. Review status: criteria provided, single submitter. Criteria: Invitae Variant Classification Sherloc (09022015). Collection method: clinical testing. Allele origin: germline.
Comment: This variant is present in population databases (rs776188298, ExAC 0.002%). In summary, the available evidence is currently insufficient to determine the role of this variant in disease. Therefore, it has been classified as a Variant of Uncertain Significance. Algorithms developed to predict the effect of missense changes on protein structure and function do not agree on the potential impact of this missense change (SIFT: "Deleterious"; PolyPhen-2: "Possibly Damaging"; Align-GVGD: "Class C15"). This variant has not been reported in the literature in individuals with WDR60-related disease. This sequence change replaces serine with leucine at codon 502 of the WDR60 protein (p.Ser502Leu). The serine residue is highly conserved and there is a large physicochemical difference between serine and leucine.

NM_018051.5(DYNC2I1):c.1505C>T (p.Ser502Leu)

Gene: DYNC2I1 (dynein 2 intermediate chain 1; plus strand). Cytogenetic location: 7q36.3.
Variant type: single nucleotide variant.
Coding change: c.1505C>T on transcript NM_018051.5 (MANE Select); coding-DNA position 1505, C replaced by T.
Protein change: p.Ser502Leu; replaces serine 502 with leucine.
Molecular consequence: missense variant.
Genome position (GRCh38, 1-based): chr7:158,911,594, C>T. VCF-style: chr7-158911594-C-T. GRCh37 (hg19) VCF-style: chr7-158704285-C-T.
Other names: c.1367C>T, p.Ser456Leu (NM_001350914.2); c.932C>T, p.Ser311Leu (NM_001350915.2); c.44C>T, p.Ser15Leu (NM_001350916.2); c.257C>T, p.Ser86Leu (NM_001350917.2, NM_001350918.2); short protein forms S15L, S311L, S456L, S502L, S86L.
Identifiers: ClinVar variation 1022417 (VCV001022417.8), dbSNP rs776188298, ClinGen allele CA4594660.